The following is an entry in ClinVar:

ClinVar aggregate classification (germline): Likely benign. Review status: criteria provided, multiple submitters, no conflicts (2 of 4 stars). 2 submissions from 2 submitters: Likely benign (2). Last evaluated 2026-06-01.

gnomAD v4.1: 23 of 1,613,746 alleles (0.0014%); highest among the groups gnomAD compares: East Asian, 0.0089%; no homozygotes.

Submissions (2):

CeGaT Center for Human Genetics Tuebingen
Classification: Likely benign. Last evaluated: 2026-06-01. Review status: criteria provided, single submitter. Criteria: CeGaT Center For Human Genetics Tuebingen Variant Classification Criteria Version 2. Collection method: clinical testing. Allele origin: germline. Affected: yes. Observed: 1 variant allele.
Comment: HYDIN: BP4, BP7

Blueprint Genetics
Classification: Likely benign. Last evaluated: 2024-03-05. Review status: criteria provided, single submitter. Criteria: ACMG Guidelines, 2015. Collection method: clinical testing. Allele origin: germline.

NM_001270974.2(HYDIN):c.7710C>T (p.Asp2570=)

Gene: HYDIN (HYDIN axonemal central pair apparatus protein; minus strand). Cytogenetic location: 16q22.2.
Variant type: single nucleotide variant.
Coding change: c.7710C>T on transcript NM_001270974.2 (MANE Select); coding-DNA position 7710, C replaced by T.
Protein change: p.Asp2570=; no amino-acid change (aspartic acid 2570 retained).
Molecular consequence: synonymous variant.
Genome position (GRCh38, 1-based): chr16:70,920,666, G>A on the plus strand (C>T on the coding strand, the complement: HYDIN is on the minus strand). VCF-style: chr16-70920666-G-A. GRCh37 (hg19) VCF-style: chr16-70954569-G-A.
Identifiers: ClinVar variation 4874464 (VCV004874464.3).